The following is an entry in ClinVar:

ClinVar aggregate classification (germline): Uncertain significance (1 of 4 stars; one submission).

Submission:

CeGaT Center for Human Genetics Tuebingen
Classification: Uncertain significance. Last evaluated: 2024-05-01. Review status: criteria provided, single submitter. Criteria: CeGaT Center For Human Genetics Tuebingen Variant Classification Criteria Version 2. Collection method: clinical testing. Allele origin: germline. Affected: yes. Observed: 1 variant allele.
Comment: GRIN2D: PM2, PP2

NM_000836.4(GRIN2D):c.3534G>T (p.Trp1178Cys)

Gene: GRIN2D (glutamate ionotropic receptor NMDA type subunit 2D; plus strand). Cytogenetic location: 19q13.33.
Variant type: single nucleotide variant.
Coding change: c.3534G>T on transcript NM_000836.4 (MANE Select); coding-DNA position 3534, G replaced by T.
Protein change: p.Trp1178Cys; replaces tryptophan 1178 with cysteine.
Molecular consequence: missense variant.
Genome position (GRCh38, 1-based): chr19:48,443,460, G>T. VCF-style: chr19-48443460-G-T. GRCh37 (hg19) VCF-style: chr19-48946717-G-T.
Other names: short protein forms W1178C.
Identifiers: ClinVar variation 3239218 (VCV003239218.19), dbSNP rs2513693463.